The following is an entry in ClinVar:

ClinVar aggregate classification (germline): Pathogenic (1 of 4 stars; one submission).

Conditions:
Myofibrillar myopathy 4. Also called: Zaspopathy (type). Identifiers: Orphanet 98912, MedGen C4721886, MONDO:0012277, OMIM 609452.

Submission:

Labcorp Genetics (formerly Invitae), Labcorp
Classification: Pathogenic for Myofibrillar myopathy 4. Last evaluated: 2025-10-17. Review status: criteria provided, single submitter. Criteria: Invitae Variant Classification Sherloc (09022015). Collection method: clinical testing. Allele origin: germline.
Comment: The LDB3 gene has multiple clinically relevant transcripts. This variant occurs in alternate transcript NM_007078.3, and corresponds to NM_001080116.1: c.321+1485_321+1486delinsC in the primary transcript. This sequence change creates a premature translational stop signal (p.Ala177Profs*31) in the LDB3 gene. It is expected to result in an absent or disrupted protein product. Loss-of-function variants in LDB3 alternate transcript NM_007078.3 are known to be pathogenic (PMID: 36253531). Information on the frequency of this variant in the gnomAD database is not available, as this variant may be reported differently in the database. This variant has not been reported in the literature in individuals affected with LDB3-related conditions. For these reasons, this variant has been classified as Pathogenic.

Literature cited by the submitters: PubMed 36253531.

NM_007078.3(LDB3):c.529del (p.Ala177fs)

Gene: LDB3 (LIM domain binding 3; plus strand). Cytogenetic location: 10q23.2.
Variant type: Deletion.
Coding change: c.529del on transcript NM_007078.3 (MANE Select); coding-DNA position 529, one base deleted (G; older notation c.529delG).
Protein change: p.Ala177fs; shifts the reading frame from alanine 177.
Molecular consequence: frameshift variant. On other transcripts: intron variant (5).
Genome position (GRCh38, 1-based): chr10:86,681,643, G deleted; the last of 5 consecutive G bases (chr10:86,681,639-86,681,643); deleting any one gives the same sequence. VCF-style (leftmost placement, unchanged base first): chr10-86681638-AG-A. GRCh37 (hg19) VCF-style: chr10-88441395-AG-A.
Other names: c.529del, p.Ala177fs (NM_001080115.2, NM_001171610.2, NM_001171611.2 and 3 more transcripts); c.321+1486del (NM_001368068.1, NM_001368066.1, NM_001080114.2 and 2 more transcripts); short protein forms A177fs.
Identifiers: ClinVar variation 464289 (VCV000464289.7), dbSNP rs730880345, ClinGen allele CA470374143.